The following is an entry in ClinVar:

ClinVar aggregate classification (germline): Uncertain significance (1 of 4 stars; one submission).

Conditions:
Short-rib thoracic dysplasia 6 with or without polydactyly (SRTD6). Also called: Majewski Syndrome; SHORT RIB-POLYDACTYLY SYNDROME, TYPE IIA; SHORT-RIB THORACIC DYSPLASIA 6 WITH POLYDACTYLY; SHORT-RIB THORACIC DYSPLASIA 6 WITHOUT POLYDACTYLY; POLYDACTYLY WITH NEONATAL CHONDRODYSTROPHY, TYPE II. Identifiers: MedGen C0024507, MONDO:0009894, OMIM 263520.

Submission:

Labcorp Genetics (formerly Invitae), Labcorp
Classification: Uncertain significance for Short-rib thoracic dysplasia 6 with or without polydactyly. Last evaluated: 2022-02-17. Review status: criteria provided, single submitter. Criteria: Invitae Variant Classification Sherloc (09022015). Collection method: clinical testing. Allele origin: germline.
Comment: Variants that disrupt the consensus splice site are a relatively common cause of aberrant splicing (PMID: 17576681, 9536098). Algorithms developed to predict the effect of sequence changes on RNA splicing suggest that this variant may disrupt the consensus splice site. In summary, the available evidence is currently insufficient to determine the role of this variant in disease. Therefore, it has been classified as a Variant of Uncertain Significance. This variant has not been reported in the literature in individuals affected with NEK1-related conditions. This variant is not present in population databases (gnomAD no frequency). This sequence change falls in intron 14 of the NEK1 gene. It does not directly change the encoded amino acid sequence of the NEK1 protein. It affects a nucleotide within the consensus splice site.

Literature cited by the submitters: PubMed 17576681; PubMed 9536098.

NM_001199397.3(NEK1):c.1191+5G>A

Gene: NEK1 (NIMA related kinase 1; minus strand). Cytogenetic location: 4q33.
Variant type: single nucleotide variant.
Coding change: c.1191+5G>A on transcript NM_001199397.3 (MANE Select); 5 bases into the intron after coding-DNA position 1191, G replaced by A.
Molecular consequence: intron variant.
Genome position (GRCh38, 1-based): chr4:169,561,682, C>T on the plus strand (G>A on the coding strand, the complement: NEK1 is on the minus strand). VCF-style: chr4-169561682-C-T. GRCh37 (hg19) VCF-style: chr4-170482833-C-T.
Other names: c.1140+150G>A (NM_001374421.1); c.1141-128G>A (NM_001374420.1); c.1191+5G>A (NM_001199399.3, NM_001199398.3, NM_001374419.1 and 5 more transcripts).
Identifiers: ClinVar variation 2097793 (VCV002097793.4), dbSNP rs2546790912, ClinGen allele CA2580071668.
Genomic context (GRCh38, chr4:169,561,682, plus strand): 5'-AGCAATAAACTGAAAATCAGTGTATTCCTTAAGAAAAAAGTATATTTAATAGATTATCCT[C>T]TTACCCTTTCCTTTTCTTGCCTTTTCATTTGTTCAGCCTTCATTAAACTAATAATCTGTA-3'